The following is an entry in ClinVar:

ClinVar aggregate classification (germline): Benign. Review status: criteria provided, multiple submitters, no conflicts (2 of 4 stars). 7 submissions from 7 submitters: Benign (4). 3 of the submissions do not count toward it. Last evaluated 2026-02-01.

Conditions:
46 XY differences of sex development. Also called: 46,XY disorder of sex development; 46, XY disorder of sex development (DSD). Identifiers: Orphanet 98085, MedGen C2751824, MONDO:0020040.
Oligosynaptic infertility (SPGF1). Also called: OLIGOCHIASMATIC INFERTILITY; SPERMATOGENIC FAILURE 1. Identifiers: MedGen C0403810, MONDO:0009776, OMIM 258150.

Allele frequency attached by ClinVar (database versions not stated): ExAC 0.11835; gnomAD 0.23803 and 0.24774; ESP Exome Variant Server 0.24486; TOPMed 0.26631; 1000 Genomes Project 0.32548; 1000 Genomes Project 30x 0.33791.
gnomAD v4.1: 102,590 of 1,607,478 alleles (6.4%); highest among the groups gnomAD compares: African/African-American, 75%; 25,201 homozygotes.

Submissions (7):

Labcorp Genetics (formerly Invitae), Labcorp
Classification: Benign for 46 XY differences of sex development; Oligosynaptic infertility. Last evaluated: 2026-02-01. Review status: criteria provided, single submitter. Criteria: Invitae Variant Classification Sherloc (09022015). Collection method: clinical testing. Allele origin: germline.

GeneDx
Classification: Benign. Last evaluated: 2018-07-03. Review status: criteria provided, single submitter. Criteria: GeneDx Variant Classification Process June 2021. Collection method: clinical testing. Allele origin: germline. Affected: yes.
Comment: This variant is associated with the following publications: (PMID: 31787151, 14623279, 23154282, 24434652, 23096908, 22951804, 23153500, 16500365, 16127213, 16564598, 22909003, 21691958)

Breakthrough Genomics
Classification: Benign. Review status: criteria provided, single submitter. Criteria: ACMG Guidelines, 2015. Collection method: not provided. Allele origin: germline. Inheritance: Autosomal dominant inheritance. Affected: yes.

PreventionGenetics, part of Exact Sciences
Classification: Benign. Review status: criteria provided, single submitter. Criteria: ACMG Guidelines, 2015. Collection method: clinical testing. Allele origin: germline.

Institute of Biochemistry, Molecular Biology and Biotechnology, University of Colombo
Classification: Benign for 46 XY differences of sex development. Last evaluated: 2024-06-13. Review status: no assertion criteria provided. Collection method: clinical testing. Allele origin: germline. Affected: yes. Not counted in ClinVar's aggregate classification.

Clinical Genetics DNA and cytogenetics Diagnostics Lab, Erasmus MC, Erasmus Medical Center
Classification: Benign. Review status: no assertion criteria provided. Collection method: clinical testing. Allele origin: germline. Affected: yes. Study: VKGL Data-share Consensus. Not counted in ClinVar's aggregate classification.

Joint Genome Diagnostic Labs from Nijmegen and Maastricht, Radboudumc and MUMC+
Classification: Benign. Review status: no assertion criteria provided. Collection method: clinical testing. Allele origin: germline. Affected: yes. Study: VKGL Data-share Consensus. Not counted in ClinVar's aggregate classification.

Literature cited by the submitters: PubMed 25989977 (cited by Institute of Biochemistry, Molecular Biology and Biotechnology, University of Colombo); PubMed 29265478 (cited by Institute of Biochemistry, Molecular Biology and Biotechnology, University of Colombo).

NM_004959.5(NR5A1):c.437G>C (p.Gly146Ala)

Gene: NR5A1 (nuclear receptor subfamily 5 group A member 1; minus strand). Cytogenetic location: 9q33.3.
Variant type: single nucleotide variant.
Coding change: c.437G>C on transcript NM_004959.5 (MANE Select); coding-DNA position 437, G replaced by C.
Protein change: p.Gly146Ala; replaces glycine 146 with alanine.
Molecular consequence: missense variant.
Genome position (GRCh38, 1-based): chr9:124,500,523, C>G on the plus strand (G>C on the coding strand, the complement: NR5A1 is on the minus strand). VCF-style: chr9-124500523-C-G. GRCh37 (hg19) VCF-style: chr9-127262802-C-G.
Other names: short protein forms G146A.
Identifiers: ClinVar variation 259591 (VCV000259591.17), dbSNP rs1110061, ClinGen allele CA5235469.